The following is an entry in ClinVar:

NM_001853.4(COL9A3):c.1864+4C>T

Gene: COL9A3 (collagen type IX alpha 3 chain; plus strand). Cytogenetic location: 20q13.33.
Variant type: single nucleotide variant.
Coding change: c.1864+4C>T on transcript NM_001853.4 (MANE Select); 4 bases into the intron after coding-DNA position 1864, C replaced by T.
Molecular consequence: intron variant.
Genome position (GRCh38, 1-based): chr20:62,838,765, C>T. VCF-style: chr20-62838765-C-T. GRCh37 (hg19) VCF-style: chr20-61470117-C-T.
Identifiers: ClinVar variation 3616084 (VCV003616084.2).
Genomic context (GRCh38, chr20:62,838,765, plus strand): 5'-ACAAAGGCGCGGCAGGAGCAGGGCTGGACGGGCCTGAAGGAGACCAGGGGCCCCAAGGTA[C>T]GAGTCCACGGCCAGCAAGGCTTCACTGGGTGACATCTCTTCCGCCATCTTGTAGCTTTAT-3'

ClinVar aggregate classification (germline): Uncertain significance (1 of 4 stars; one submission).

Submission:

Labcorp Genetics (formerly Invitae), Labcorp
Classification: Uncertain significance. Last evaluated: 2024-06-25. Review status: criteria provided, single submitter. Criteria: Invitae Variant Classification Sherloc (09022015). Collection method: clinical testing. Allele origin: germline.
Comment: This sequence change falls in intron 31 of the COL9A3 gene. It does not directly change the encoded amino acid sequence of the COL9A3 protein. It affects a nucleotide within the consensus splice site. This variant is not present in population databases (gnomAD no frequency). This variant has not been reported in the literature in individuals affected with COL9A3-related conditions. Variants that disrupt the consensus splice site are a relatively common cause of aberrant splicing (PMID: 17576681, 9536098). Algorithms developed to predict the effect of sequence changes on RNA splicing suggest that this variant is not likely to affect RNA splicing. In summary, the available evidence is currently insufficient to determine the role of this variant in disease. Therefore, it has been classified as a Variant of Uncertain Significance.

Literature cited by the submitters: PubMed 17576681; PubMed 9536098.